The following is an entry in ClinVar:

NM_002296.4(LBR):c.43C>T (p.Arg15Ter)

Gene: LBR (lamin B receptor; minus strand). Cytogenetic location: 1q42.12.
Variant type: single nucleotide variant.
Coding change: c.43C>T on transcript NM_002296.4 (MANE Select); coding-DNA position 43, C replaced by T.
Protein change: p.Arg15Ter; replaces arginine 15 with a stop codon.
Molecular consequence: nonsense.
Genome position (GRCh38, 1-based): chr1:225,424,033, G>A on the plus strand (C>T on the coding strand, the complement: LBR is on the minus strand). VCF-style: chr1-225424033-G-A. GRCh37 (hg19) VCF-style: chr1-225611735-G-A.
Other names: c.43C>T, p.Arg15Ter (NM_194442.3); short protein forms R15*.
Identifiers: ClinVar variation 2151919 (VCV002151919.4), dbSNP rs192681330, ClinGen allele CA38521798.

ClinVar aggregate classification (germline): Pathogenic (1 of 4 stars; one submission).

Allele frequency attached by ClinVar (database versions not stated): gnomAD exomes 0.00001; gnomAD 0.00003; TOPMed 0.00003; 1000 Genomes Project 30x 0.00016; 1000 Genomes Project 0.00020.
gnomAD v4.1: 16 of 1,614,016 alleles (0.00099%); highest among the groups gnomAD compares: East Asian, 0.0067%; no homozygotes.

Submission:

Labcorp Genetics (formerly Invitae), Labcorp
Classification: Pathogenic. Last evaluated: 2025-09-11. Review status: criteria provided, single submitter. Criteria: Invitae Variant Classification Sherloc (09022015). Collection method: clinical testing. Allele origin: germline.
Comment: This sequence change creates a premature translational stop signal (p.Arg15*) in the LBR gene. It is expected to result in an absent or disrupted protein product. Loss-of-function variants in LBR are known to be pathogenic (PMID: 12118250, 12618959, 21327084). This variant is present in population databases (rs192681330, gnomAD 0.005%). This premature translational stop signal has been observed in individual(s) with LBR-related conditions (PMID: 30448303). ClinVar contains an entry for this variant (Variation ID: 2151919). For these reasons, this variant has been classified as Pathogenic.

Literature cited by the submitters: PubMed 12118250; PubMed 12618959; PubMed 21327084; PubMed 30448303.